The following is an entry in ClinVar:

ClinVar aggregate classification (germline): Uncertain significance (1 of 4 stars; one submission).

Allele frequency attached by ClinVar (database versions not stated): gnomAD 0.00001; gnomAD exomes 0.00001; TOPMed 0.00001; ExAC 0.00002.
gnomAD v4.1: 28 of 1,609,224 alleles (0.0017%); highest among the groups gnomAD compares: South Asian, 0.0011%; no homozygotes.

Submission:

GeneDx
Classification: Uncertain significance. Last evaluated: 2023-11-29. Review status: criteria provided, single submitter. Criteria: GeneDx Variant Classification Process June 2021. Collection method: clinical testing. Allele origin: germline. Affected: yes.
Comment: In silico analysis supports that this missense variant does not alter protein structure/function; Has not been previously published as pathogenic or benign to our knowledge

NM_001009944.3(PKD1):c.1283C>T (p.Ala428Val)

Gene: PKD1 (polycystin 1, transient receptor potential channel interacting; minus strand). Cytogenetic location: 16p13.3.
Variant type: single nucleotide variant.
Coding change: c.1283C>T on transcript NM_001009944.3 (MANE Select); coding-DNA position 1283, C replaced by T.
Protein change: p.Ala428Val; replaces alanine 428 with valine.
Molecular consequence: missense variant.
Genome position (GRCh38, 1-based): chr16:2,117,591, G>A on the plus strand (C>T on the coding strand, the complement: PKD1 is on the minus strand). VCF-style: chr16-2117591-G-A. GRCh37 (hg19) VCF-style: chr16-2167592-G-A.
Other names: c.1283C>T, p.Ala428Val (NM_000296.4); short protein forms A428V.
Identifiers: ClinVar variation 3252196 (VCV003252196.1), dbSNP rs764194653.
Genomic context (GRCh38, chr16:2,117,591, plus strand): 5'-TCCACCATTGCCAGGGCGGCCCCGGCCCAGGCCTGACACTGCTCCTGCGCCTGCAGCCAG[G>A]CCGCCTTCTCCACCACCAGGCGGTAGCAGTGCCCGTTGCCAGGGAAGATCTCCGTGTCCG-3'
Protein context (NP_001009944.3, residues 418-438): HCYRLVVEKA[Ala428Val]WLQAQEQCQA